The following is an entry in ClinVar:

ClinVar aggregate classification (germline): Uncertain significance (1 of 4 stars; one submission).

Conditions:
Hereditary spastic paraplegia 39 (SPG39). Also called: Spastic Paraplegia Type 39 (SPG39); SPASTIC PARAPLEGIA 39, AUTOSOMAL RECESSIVE. Identifiers: Orphanet 139480, MedGen C2677586, MONDO:0012787, OMIM 612020.

Submission:

Labcorp Genetics (formerly Invitae), Labcorp
Classification: Uncertain significance for Hereditary spastic paraplegia 39. Last evaluated: 2022-04-08. Review status: criteria provided, single submitter. Criteria: Invitae Variant Classification Sherloc (09022015). Collection method: clinical testing. Allele origin: germline.
Comment: In summary, the available evidence is currently insufficient to determine the role of this variant in disease. Therefore, it has been classified as a Variant of Uncertain Significance. Algorithms developed to predict the effect of missense changes on protein structure and function (SIFT, PolyPhen-2, Align-GVGD) all suggest that this variant is likely to be tolerated. This variant has not been reported in the literature in individuals affected with PNPLA6-related conditions. This variant is not present in population databases (gnomAD no frequency). This sequence change replaces threonine, which is neutral and polar, with serine, which is neutral and polar, at codon 618 of the PNPLA6 protein (p.Thr618Ser).

NM_001166114.2(PNPLA6):c.1969A>T (p.Thr657Ser)

Gene: PNPLA6 (patatin like domain 6, lysophospholipase; plus strand). Cytogenetic location: 19p13.2.
Variant type: single nucleotide variant.
Coding change: c.1969A>T on transcript NM_001166114.2 (MANE Select); coding-DNA position 1969, A replaced by T.
Protein change: p.Thr657Ser; replaces threonine 657 with serine.
Molecular consequence: missense variant.
Genome position (GRCh38, 1-based): chr19:7,550,539, A>T. VCF-style: chr19-7550539-A-T. GRCh37 (hg19) VCF-style: chr19-7615425-A-T.
Other names: c.1996A>T, p.Thr666Ser (NM_001166111.2); c.1774A>T, p.Thr592Ser (NM_001166112.2); c.1852A>T, p.Thr618Ser (NM_001166113.1, NM_006702.5); short protein forms T592S, T618S, T666S, T657S.
Identifiers: ClinVar variation 2109908 (VCV002109908.4), dbSNP rs2512534818, ClinGen allele CA403123290.